The following is an entry in ClinVar:

NM_024675.4(PALB2):c.2918C>T (p.Thr973Ile)

Gene: PALB2 (partner and localizer of BRCA2; minus strand). Cytogenetic location: 16p12.2.
Variant type: single nucleotide variant.
Coding change: c.2918C>T on transcript NM_024675.4 (MANE Select); coding-DNA position 2918, C replaced by T.
Protein change: p.Thr973Ile; replaces threonine 973 with isoleucine.
Molecular consequence: missense variant.
Genome position (GRCh38, 1-based): chr16:23,623,047, G>A on the plus strand (C>T on the coding strand, the complement: PALB2 is on the minus strand). VCF-style: chr16-23623047-G-A. GRCh37 (hg19) VCF-style: chr16-23634368-G-A.
Other names: short protein forms T973I.
Identifiers: ClinVar variation 484218 (VCV000484218.19), dbSNP rs1465745143, ClinGen allele CA395144197.

ClinVar aggregate classification (germline): Uncertain significance. Review status: criteria provided, multiple submitters, no conflicts (2 of 4 stars). 3 submissions from 3 submitters: Uncertain significance (3). Last evaluated 2018-08-07.

Conditions:
Familial cancer of breast. Also called: BREAST CANCER, FAMILIAL; Hereditary breast cancer; hereditary breast carcinoma. Identifiers: Orphanet 227535, MedGen C0346153, MONDO:0016419, OMIM 114480. Disease mechanism: loss of function.
Hereditary cancer-predisposing syndrome. Also called: Neoplastic Syndromes, Hereditary; Tumor predisposition; Hereditary Cancer Syndrome; Hereditary neoplastic syndrome. Identifiers: Orphanet 140162, MedGen C0027672, MeSH D009386, MONDO:0015356.

Submissions (3):

Labcorp Genetics (formerly Invitae), Labcorp
Classification: Uncertain significance for Familial cancer of breast. Last evaluated: 2018-08-07. Review status: criteria provided, single submitter. Criteria: Invitae Variant Classification Sherloc (09022015). Collection method: clinical testing. Allele origin: germline.
Comment: This sequence change replaces threonine with isoleucine at codon 973 of the PALB2 protein (p.Thr973Ile). The threonine residue is moderately conserved and there is a moderate physicochemical difference between threonine and isoleucine. This variant is not present in population databases (ExAC no frequency). This variant has not been reported in the literature in individuals with PALB2-related disease. ClinVar contains an entry for this variant (Variation ID: 484218). Algorithms developed to predict the effect of missense changes on protein structure and function are either unavailable or do not agree on the potential impact of this missense change (SIFT: "Tolerated"; PolyPhen-2: "Possibly Damaging"; Align-GVGD: "Class C0"). In summary, the available evidence is currently insufficient to determine the role of this variant in disease. Therefore, it has been classified as a Variant of Uncertain Significance.

ARUP Laboratories, Molecular Genetics and Genomics, ARUP Laboratories
Classification: Uncertain significance. Last evaluated: 2017-08-02. Review status: criteria provided, single submitter. Criteria: ARUP Molecular Germline Variant Investigation Process. Collection method: clinical testing. Allele origin: germline.

Ambry Genetics
Classification: Uncertain significance for Hereditary cancer-predisposing syndrome. Last evaluated: 2017-02-06. Review status: criteria provided, single submitter. Criteria: Ambry Variant Classification Scheme 2023. Collection method: clinical testing. Allele origin: germline.
Comment: The p.T973I variant (also known as c.2918C>T), located in coding exon 9 of the PALB2 gene, results from a C to T substitution at nucleotide position 2918. The threonine at codon 973 is replaced by isoleucine, an amino acid with similar properties. This amino acid position is well conserved in available vertebrate species. In addition, this alteration is predicted to be tolerated by in silico analysis. Since supporting evidence is limited at this time, the clinical significance of this alteration remains unclear.